The following is an entry in ClinVar:

NC_000023.11:g.(?_31119228)_(33211556_?)del

Genes: MIR3915 (microRNA 3915; minus strand), MIR548F5 (microRNA 548f-5; minus strand), DMD (dystrophin; minus strand), LOC130068086 (ATAC-STARR-seq lymphoblastoid silent region 20729; plus strand), LOC130068087 (ATAC-STARR-seq lymphoblastoid silent region 20730; plus strand) and 9 more. Cytogenetic location: Xp21.2-21.1.
Variant type: Deletion.
Identifiers: ClinVar variation 417499 (VCV000417499.1).

ClinVar aggregate classification (germline): Pathogenic (1 of 4 stars; one submission).

Conditions:
Duchenne muscular dystrophy (DMD). Also called: MUSCULAR DYSTROPHY, PSEUDOHYPERTROPHIC PROGRESSIVE, DUCHENNE TYPE; Duchenne Muscular Dystrophy (DMD). Identifiers: Orphanet 98896, MedGen C0013264, MONDO:0010679, OMIM 310200.

Submission:

Labcorp Genetics (formerly Invitae), Labcorp
Classification: Pathogenic for Duchenne muscular dystrophy. Last evaluated: 2016-08-02. Review status: criteria provided, single submitter. Criteria: Invitae Variant Classification Sherloc (09022015). Collection method: clinical testing. Allele origin: germline.
Comment: A gross deletion of the genomic region encompassing the full coding sequence of the DMD gene has been identified. The boundaries of this event are unknown as the deletion extends beyond the assayed region for this gene and therefore may encompass additional genes. While a specific deletion of DMD gene has not been published, contiguous gene deletions which including the DMD coding region have been reported in individuals affected with Duchenne muscular dystrophy (PMID: 19084397). For these reasons, this variant has been classified as Pathogenic.